The following is an entry in ClinVar:

NM_003024.3(ITSN1):c.1129C>T (p.Arg377Cys)

Gene: ITSN1 (intersectin 1; plus strand). Cytogenetic location: 21q22.11.
Variant type: single nucleotide variant.
Coding change: c.1129C>T on transcript NM_003024.3 (MANE Select); coding-DNA position 1129, C replaced by T.
Protein change: p.Arg377Cys; replaces arginine 377 with cysteine.
Molecular consequence: missense variant.
Genome position (GRCh38, 1-based): chr21:33,772,147, C>T. VCF-style: chr21-33772147-C-T. GRCh37 (hg19) VCF-style: chr21-35144451-C-T.
Other names: c.1018C>T, p.Arg340Cys (NM_001331012.2); c.1129C>T, p.Arg377Cys (NM_001001132.2, NM_001331008.2, NM_001331009.2 and 2 more transcripts); short protein forms R340C, R377C.
Identifiers: ClinVar variation 4858531 (VCV004858531.1).

ClinVar aggregate classification (germline): Uncertain significance (1 of 4 stars; one submission).

Conditions:
Inborn genetic diseases. Identifiers: MedGen C0950123, MeSH D030342.

gnomAD v4.1: 14 of 1,614,198 alleles (0.00087%); highest among the groups gnomAD compares: South Asian, 0.0022%; no homozygotes.

Submission:

Ambry Genetics
Classification: Uncertain significance for Inborn genetic diseases. Last evaluated: 2026-03-19. Review status: criteria provided, single submitter. Criteria: Ambry Variant Classification Scheme 2023. Collection method: clinical testing. Allele origin: germline.
Comment: The c.1129C>T (p.R377C) alteration is located in exon 12 (coding exon 11) of the ITSN1 gene. This alteration results from a C to T substitution at nucleotide position 1129, causing the arginine (R) at amino acid position 377 to be replaced by a cysteine (C). Based on data from gnomAD, the T allele has an overall frequency of 0.001% (2/251392) total alleles studied. The highest observed frequency was 0.016% (1/6134) of Other alleles. Based on insufficient or conflicting evidence, the clinical significance of this alteration remains unclear.